The following is an entry in ClinVar:

NM_000260.4(MYO7A):c.3503+1_3503+12delinsC

Gene: MYO7A (myosin VIIA; plus strand). Cytogenetic location: 11q13.5.
Variant type: Indel.
Coding change: c.3503+1_3503+12delinsC on transcript NM_000260.4 (MANE Select); the canonical splice donor site of the intron after coding-DNA position 3503 through 12 bases into the intron after coding-DNA position 3503, GTCAGTGCCGGG replaced by C.
Molecular consequence: splice donor variant.
Genome position (GRCh38, 1-based): chr11:77,184,716-77,184,727, GTCAGTGCCGGG replaced by C. VCF-style: chr11-77184716-GTCAGTGCCGGG-C. GRCh37 (hg19) VCF-style: chr11-76895761-GTCAGTGCCGGG-C.
Other names: c.3470+1_3470+12delinsC (NM_001369365.1); c.3503+1_3503+12delinsC (NM_001127180.2).
Identifiers: ClinVar variation 1067312 (VCV001067312.9), dbSNP rs2135518421, ClinGen allele CA2499221324.
Genomic context (GRCh38, chr11:77,184,716, plus strand): 5'-CTCCAACCTGGAGAAGCTGCACTTCATCATCGGCAATGGCATCCTGCGGCCAGCACTCCG[GTCAGTGCCGGG>C]AGGCGGGGACACCAGGGCCTGAAAGTCTTTTGGTGGCTGAGTGGTGCCTCTGTCAACCTA-3'

ClinVar aggregate classification (germline): Likely pathogenic. Review status: criteria provided, multiple submitters, no conflicts (2 of 4 stars). 3 submissions from 3 submitters: Likely pathogenic (3). Last evaluated 2025-07-31.

Conditions:
Usher syndrome. Also called: Usher's syndrome; Usher Syndromes. Identifiers: Orphanet 886, MedGen CN469326, MeSH D052245, MONDO:0019501. Disease mechanism: loss of function.
Usher syndrome type 1 (USH1). Also called: RETINITIS PIGMENTOSA AND CONGENITAL DEAFNESS. Identifiers: Orphanet 231169, Orphanet 886, MedGen C1568247, MONDO:0010168, OMIM 276900.

Submissions (3):

Women's Health and Genetics/Laboratory Corporation of America, LabCorp
Classification: Likely pathogenic for Usher syndrome. Last evaluated: 2025-07-31. Review status: criteria provided, single submitter. Criteria: LabCorp Variant Classification Summary - May 2015. Collection method: clinical testing. Allele origin: germline.
Comment: Variant summary: MYO7A c.3503+1_3503+12delinsC is located in a canonical splice-site and is predicted to affect mRNA splicing resulting in a significantly altered protein due to either exon skipping, shortening, or inclusion of intronic material. Variants that disrupt the consensus splice site are a relatively common cause of aberrant splicing and loss of MYO7A function. Several computational tools predict a significant impact on normal splicing: Four predict the variant abolishes a 5' splicing donor site. One predicts the variant creates a 5' donor site. One predicts the variant creates a 3' acceptor site. However, these predictions have yet to be confirmed by functional studies. While there were no reports of this variant in the gnomAD database, the frequency of this variant in the general population could not be determined as the sequencing quality of this region was uncertain (gnomAD v2/gnomAD v4). To our knowledge, no occurrence of c.3503+1_3503+12delinsC in individuals affected with Usher Syndrome and no experimental evidence demonstrating its impact on protein function have been reported. ClinVar contains an entry for this variant (Variation ID: 1067312). To our knowledge, this variant has not been reported in individuals with autosomal dominant MYO7A-related conditions. Based on the evidence outlined above, the variant was classified as likely pathogenic for autosomal recessive Usher syndrome.

Myriad Genetics, Inc.
Classification: Likely pathogenic for Usher syndrome type 1. Last evaluated: 2025-05-28. Review status: criteria provided, single submitter. Criteria: Myriad Autosomal Dominant, Autosomal Recessive and X-Linked Classification Criteria (2023). Collection method: clinical testing. Allele origin: unknown.
Comment: NM_000260.3(MYO7A):c.3503+1_3503+12del12ins1 is a variant in a canonical splice site classified as likely pathogenic in the context of MYO7A-related disorders. c.3503+1_3503+12del12ins1 has not been observed in cases with relevant disease. Relevant functional assessments of this variant are not available in the literature. c.3503+1_3503+12del12ins1 has not been observed in referenced population frequency databases. In summary, NM_000260.3(MYO7A):c.3503+1_3503+12del12ins1 is a variant in a canonical splice site in a gene where loss of function is a known mechanism of disease and is predicted to disrupt protein function. Please note: this variant was assessed in the context of healthy population screening.

Labcorp Genetics (formerly Invitae), Labcorp
Classification: Likely pathogenic. Last evaluated: 2020-02-01. Review status: criteria provided, single submitter. Criteria: Invitae Variant Classification Sherloc (09022015). Collection method: clinical testing. Allele origin: germline.
Comment: In summary, the currently available evidence indicates that the variant is pathogenic, but additional data are needed to prove that conclusively. Therefore, this variant has been classified as Likely Pathogenic. Donor and acceptor splice site variants typically lead to a loss of protein function (PMID: 16199547), and loss-of-function variants in MYO7A are known to be pathogenic (PMID: 8900236, 25404053). This sequence change affects a donor splice site in intron 27 of the MYO7A gene. It is expected to disrupt RNA splicing and likely results in an absent or disrupted protein product. This variant is not present in population databases (ExAC no frequency). This variant has not been reported in the literature in individuals with MYO7A-related conditions. Algorithms developed to predict the effect of sequence changes on RNA splicing suggest that this variant may disrupt the consensus splice site, but this prediction has not been confirmed by published transcriptional studies.

Literature cited by the submitters: PubMed 16199547 (cited by Labcorp Genetics (formerly Invitae), Labcorp); PubMed 8900236 (cited by Labcorp Genetics (formerly Invitae), Labcorp); PubMed 25404053 (cited by Labcorp Genetics (formerly Invitae), Labcorp).